The following is an entry in ClinVar:

ClinVar aggregate classification (germline): Uncertain significance (1 of 4 stars; one submission).

Submission:

GeneDx
Classification: Uncertain significance. Last evaluated: 2024-03-09. Review status: criteria provided, single submitter. Criteria: GeneDx Variant Classification Process June 2021. Collection method: clinical testing. Allele origin: germline. Affected: yes.
Comment: Not observed at significant frequency in large population cohorts (gnomAD); In silico analysis supports that this missense variant has a deleterious effect on protein structure/function; Has not been previously published as pathogenic or benign to our knowledge

NM_001003694.2(BRPF1):c.1895C>G (p.Pro632Arg)

Gene: BRPF1 (bromodomain and PHD finger containing 1; plus strand). Cytogenetic location: 3p25.3.
Variant type: single nucleotide variant.
Coding change: c.1895C>G on transcript NM_001003694.2 (MANE Select); coding-DNA position 1895, C replaced by G.
Protein change: p.Pro632Arg; replaces proline 632 with arginine.
Molecular consequence: missense variant. On other transcripts: non-coding transcript variant (1).
Genome position (GRCh38, 1-based): chr3:9,742,065, C>G. VCF-style: chr3-9742065-C-G. GRCh37 (hg19) VCF-style: chr3-9783749-C-G.
Other names: c.1895C>G, p.Pro632Arg (NM_001319049.2, NM_001319050.2, NM_001410704.1 and 1 more transcripts); short protein forms P632R.
Identifiers: ClinVar variation 1707097 (VCV001707097.3), dbSNP rs2471490551, ClinGen allele CA351691879.